The following is an entry in ClinVar:

ClinVar aggregate classification (germline): Likely benign. Review status: criteria provided, multiple submitters, no conflicts (2 of 4 stars). 3 submissions from 3 submitters: Likely benign (3). Last evaluated 2026-05-01.

Allele frequency attached by ClinVar (database versions not stated): gnomAD exomes 0.00010; ExAC 0.00012; TOPMed 0.00012; ESP Exome Variant Server 0.00015; gnomAD 0.00016.
gnomAD v4.1: 164 of 1,614,128 alleles (0.01%); highest among the groups gnomAD compares: Non-Finnish European, 0.013%; no homozygotes.

Submissions (3):

CeGaT Center for Human Genetics Tuebingen
Classification: Likely benign. Last evaluated: 2026-05-01. Review status: criteria provided, single submitter. Criteria: CeGaT Center For Human Genetics Tuebingen Variant Classification Criteria Version 2. Collection method: clinical testing. Allele origin: germline. Affected: yes. Observed: 2 variant alleles.
Comment: NDST1: BP4

Labcorp Genetics (formerly Invitae), Labcorp
Classification: Likely benign. Last evaluated: 2025-07-29. Review status: criteria provided, single submitter. Criteria: Invitae Variant Classification Sherloc (09022015). Collection method: clinical testing. Allele origin: germline.

Blueprint Genetics
Classification: Likely benign. Last evaluated: 2024-06-21. Review status: criteria provided, single submitter. Criteria: ACMG Guidelines, 2015. Collection method: clinical testing. Allele origin: germline.

NM_001543.5(NDST1):c.1062C>T (p.Phe354=)

Gene: NDST1 (N-deacetylase and N-sulfotransferase 1; plus strand). Cytogenetic location: 5q33.1.
Variant type: single nucleotide variant.
Coding change: c.1062C>T on transcript NM_001543.5 (MANE Select); coding-DNA position 1062, C replaced by T.
Protein change: p.Phe354=; no amino-acid change (phenylalanine 354 retained).
Molecular consequence: synonymous variant.
Genome position (GRCh38, 1-based): chr5:150,532,998, C>T. VCF-style: chr5-150532998-C-T. GRCh37 (hg19) VCF-style: chr5-149912560-C-T.
Other names: c.1062C>T, p.Phe354= (NM_001301063.2).
Identifiers: ClinVar variation 2196013 (VCV002196013.29), dbSNP rs150774762, ClinGen allele CA3512562.